The following is an entry in ClinVar:

NM_006267.5(RANBP2):c.3582C>A (p.Phe1194Leu)

Gene: RANBP2 (RAN binding protein 2; plus strand). Cytogenetic location: 2q13.
Variant type: single nucleotide variant.
Coding change: c.3582C>A on transcript NM_006267.5 (MANE Select); coding-DNA position 3582, C replaced by A.
Protein change: p.Phe1194Leu; replaces phenylalanine 1194 with leucine.
Molecular consequence: missense variant.
Genome position (GRCh38, 1-based): chr2:108,764,121, C>A. VCF-style: chr2-108764121-C-A. GRCh37 (hg19) VCF-style: chr2-109380577-C-A.
Other names: short protein forms F1194L.
Identifiers: ClinVar variation 469455 (VCV000469455.14), dbSNP rs201567166, ClinGen allele CA1822969.

ClinVar aggregate classification (germline): Conflicting classifications of pathogenicity. Review status: criteria provided, conflicting classifications (1 of 4 stars). 3 submissions from 3 submitters: Uncertain significance (2); Likely benign (1). Last evaluated 2024-09-12.

Conditions:
Familial acute necrotizing encephalopathy (IIAE3). Also called: Susceptibility to Acute Necrotizing Encephalopathy 1; ENCEPHALOPATHY, ACUTE, INFECTION-INDUCED, SUSCEPTIBILITY TO, 3. Identifiers: Orphanet 88619, MedGen C2675556, MONDO:0011953, OMIM 608033.

Allele frequency attached by ClinVar (database versions not stated): ExAC 0.00004; TOPMed 0.00005; gnomAD 0.00006 and 0.00007; ESP Exome Variant Server 0.00008; 1000 Genomes Project 30x 0.00016; 1000 Genomes Project 0.00020.
gnomAD v4.1: 51 of 1,614,044 alleles (0.0032%); highest among the groups gnomAD compares: East Asian, 0.062%; no homozygotes.

Submissions (3):

Blueprint Genetics
Classification: Likely benign. Last evaluated: 2024-09-12. Review status: criteria provided, single submitter. Criteria: ACMG Guidelines, 2015. Collection method: clinical testing. Allele origin: germline.

Ambry Genetics
Classification: Uncertain significance. Last evaluated: 2024-09-08. Review status: criteria provided, single submitter. Criteria: Ambry Variant Classification Scheme 2023. Collection method: clinical testing. Allele origin: germline.

Labcorp Genetics (formerly Invitae), Labcorp
Classification: Uncertain significance for Familial acute necrotizing encephalopathy. Last evaluated: 2019-02-11. Review status: criteria provided, single submitter. Criteria: Invitae Variant Classification Sherloc (09022015). Collection method: clinical testing. Allele origin: germline.
Comment: In summary, this variant is a rare missense change with uncertain impact on protein function. There is no indication that it causes disease, but the available evidence is currently insufficient to prove that conclusively. Therefore, it has been classified as a Variant of Uncertain Significance. Algorithms developed to predict the effect of missense changes on protein structure and function do not agree on the potential impact of this missense change (SIFT: "Deleterious"; PolyPhen-2: "Benign"; Align-GVGD: "Class C15"). This variant is present in population databases (rs201567166, ExAC 0.02%) but has not been reported in the literature in individuals with a RANBP2-related disease. This sequence change replaces phenylalanine with leucine at codon 1194 of the RANBP2 protein (p.Phe1194Leu). The phenylalanine residue is highly conserved and there is a small physicochemical difference between phenylalanine and leucine.